The following is an entry in ClinVar:

ClinVar aggregate classification (germline): Uncertain significance (1 of 4 stars; one submission).

Conditions:
Familial intrahepatic cholestasis. Identifiers: Orphanet 284385, MedGen CN296401, MONDO:0017290.

Submission:

Genomenon, Inc
Classification: Uncertain significance for Familial intrahepatic cholestasis. Last evaluated: 2026-04-14. Review status: criteria provided, single submitter. Criteria: Genomenon Sequence Variant Interpretation Standards - Updated. Collection method: curation. Allele origin: germline. Affected: yes.
Comment: ABCB4 p.Ala542Pro (c.1624G>C) is a missense variant that changes the amino acid at residue 542 from Alanine to Proline. This variant has been observed in at least one proband with an ABCB4-related disorder (PMID:34828443). This variant is located in a mutational hotspot and/or important functional domain. It is absent or not present at a significant frequency in gnomAD. In silico models predict that this variant is possibly or probably damaging. In conclusion, we classify ABCB4 p.Ala542Pro (c.1624G>C) as a variant of uncertain significance.

Literature cited by the submitters: PubMed 34828443.

NM_000443.4(ABCB4):c.1624G>C (p.Ala542Pro)

Gene: ABCB4 (ATP binding cassette subfamily B member 4; minus strand). Cytogenetic location: 7q21.12.
Variant type: single nucleotide variant.
Coding change: c.1624G>C on transcript NM_000443.4 (MANE Select); coding-DNA position 1624, G replaced by C.
Protein change: p.Ala542Pro; replaces alanine 542 with proline.
Molecular consequence: missense variant.
Genome position (GRCh38, 1-based): chr7:87,439,774, C>G on the plus strand (G>C on the coding strand, the complement: ABCB4 is on the minus strand). VCF-style: chr7-87439774-C-G. GRCh37 (hg19) VCF-style: chr7-87069090-C-G.
Other names: c.1624G>C, p.Ala542Pro (NM_018849.3, NM_018850.3); short protein forms A542P.
Identifiers: ClinVar variation 4846399 (VCV004846399.1).
Genomic context (GRCh38, chr7:87,439,774, plus strand): 5'-CTGACGTGGCCTCATCCAGCAGAAGGATCTTGGGGTTGCGAACCAGGGCACGTGCAATGG[C>G]GATCCTCTGCTTCTGCCCACCACTCAGCTGGGCCCCTCTCTCTCCAACCAGGGTGTCAAA-3'
Protein context (NP_000434.1, residues 532-552): QLSGGQKQRI[Ala542Pro]IARALVRNPK